The following is an entry in ClinVar:

NM_001353921.2(ARHGEF9):c.59C>G (p.Ala20Gly)

Gene: ARHGEF9 (Cdc42 guanine nucleotide exchange factor 9; minus strand). Cytogenetic location: Xq11.1.
Variant type: single nucleotide variant.
Coding change: c.59C>G on transcript NM_001353921.2 (MANE Select); coding-DNA position 59, C replaced by G.
Protein change: p.Ala20Gly; replaces alanine 20 with glycine.
Molecular consequence: missense variant. On other transcripts: 5 prime UTR variant (13), intron variant (6).
Genome position (GRCh38, 1-based): chrX:63,724,683, G>C on the plus strand (C>G on the coding strand, the complement: ARHGEF9 is on the minus strand). VCF-style: chrX-63724683-G-C. GRCh37 (hg19) VCF-style: chrX-62944563-G-C.
Other names: c.-26C>G (NM_001330495.2, NM_001353927.2, NM_001369033.1 and 8 more transcripts); c.59C>G, p.Ala20Gly (NM_001353922.2); c.77C>G, p.Ala26Gly (NM_001353923.1); c.38C>G, p.Ala13Gly (NM_001353928.2, NM_001369030.1, NM_001369031.1 and 2 more transcripts); c.-405C>G (NM_001369042.1); c.-645C>G (NM_001369045.1); c.31-18234C>G (NM_001173479.2); c.10-18234C>G (NM_001369040.1, NM_001369039.1, NM_001353926.2 and 1 more transcripts); and 1 more; short protein forms A13G, A20G, A26G.
Identifiers: ClinVar variation 3767671 (VCV003767671.1).

ClinVar aggregate classification (germline): Uncertain significance (1 of 4 stars; one submission).

Submission:

GeneDx
Classification: Uncertain significance. Last evaluated: 2025-03-11. Review status: criteria provided, single submitter. Criteria: GeneDx Variant Classification Process June 2021. Collection method: clinical testing. Allele origin: germline. Affected: yes.
Comment: Not observed at significant frequency in large population cohorts (gnomAD); In silico analysis supports that this missense variant has a deleterious effect on protein structure/function; Has not been previously published as pathogenic or benign to our knowledge